The following is an entry in ClinVar:

NM_004343.4(CALR):c.-60A>G

Genes: CALR (calreticulin; plus strand), LOC117125596 (CRISPRi-FlowFISH-validated RAD23A regulatory element 2; plus strand). Cytogenetic location: 19p13.13.
Variant type: single nucleotide variant.
Coding change: c.-60A>G on transcript NM_004343.4 (MANE Select); 60 bases upstream of the start codon, A replaced by G.
Molecular consequence: 5 prime UTR variant.
Genome position (GRCh38, 1-based): chr19:12,938,620, A>G. VCF-style: chr19-12938620-A-G. GRCh37 (hg19) VCF-style: chr19-13049434-A-G.
Identifiers: ClinVar variation 5036705 (VCV005036705.1).

ClinVar aggregate classification (germline): Uncertain significance (1 of 4 stars; one submission).

Conditions:
Myeloproliferative neoplasm. Identifiers: Orphanet 98274, MedGen C1292778, MONDO:0020076.

gnomAD v4.1: 1,061 of 1,340,126 alleles (0.079%); highest among the groups gnomAD compares: Non-Finnish European, 0.095%; 2 homozygotes.

Submission:

Dept of Medical Biology, Uskudar University
Classification: Uncertain significance for Myeloproliferative neoplasm. Last evaluated: 2026-10-20. Review status: criteria provided, single submitter. Criteria: Dept of Medical Biology Variant Classification. Collection method: research. Allele origin: unknown. Affected: yes. Observed: 1 variant allele.
Comment: BS1: allele frequency 2.6e-03 in the Ashkenazi Jewish population and 8.2e-04 overall in gnomAD v4.1 (grpmax filtering allele frequency 8.9e-04, above the 2.5e-04 threshold; PMID:28518168). The variant lies in the 5-prime untranslated region; no computational, functional or segregation evidence is available, so BP4 was not applied. BS1 alone is not sufficient for a likely benign classification. Classified as uncertain significance under the ACMG/AMP 2015 guidelines (PMID:25741868). Detected in a retrospective series of 256 BCR::ABL1-negative and JAK2 V617F-negative patients referred for molecular investigation of a suspected myeloproliferative neoplasm (May 2007 to January 2015) and re-interpreted under the ACMG/AMP 2015 criteria.